The following is an entry in ClinVar:

ClinVar aggregate classification (germline): Pathogenic (1 of 4 stars; one submission).

Conditions:
Rubinstein-Taybi syndrome (RSTS). Identifiers: Orphanet 783, MedGen C0035934, MONDO:0019188.

Submission:

Labcorp Genetics (formerly Invitae), Labcorp
Classification: Pathogenic for Rubinstein-Taybi syndrome. Last evaluated: 2023-08-02. Review status: criteria provided, single submitter. Criteria: Invitae Variant Classification Sherloc (09022015). Collection method: clinical testing. Allele origin: germline.
Comment: For these reasons, this variant has been classified as Pathogenic. This variant is not present in population databases (gnomAD no frequency). This sequence change creates a premature translational stop signal (p.Cys1486Serfs*4) in the CREBBP gene. It is expected to result in an absent or disrupted protein product. Loss-of-function variants in CREBBP are known to be pathogenic (PMID: 17052327, 18792986). This variant has not been reported in the literature in individuals affected with CREBBP-related conditions.

Literature cited by the submitters: PubMed 17052327; PubMed 18792986.

NM_004380.3(CREBBP):c.4457_4458del (p.Cys1486fs)

Gene: CREBBP (CREB binding lysine acetyltransferase; minus strand). Cytogenetic location: 16p13.3.
Variant type: Deletion.
Coding change: c.4457_4458del on transcript NM_004380.3 (MANE Select); coding-DNA positions 4457 to 4458, 2 bases deleted (GC; older notation c.4457_4458delGC).
Protein change: p.Cys1486fs; shifts the reading frame from cysteine 1486.
Molecular consequence: frameshift variant.
Genome position (GRCh38, 1-based): chr16:3,736,752-3,736,753, GC deleted on the plus strand (GC on the coding strand, the reverse complement: CREBBP is on the minus strand). VCF-style (leftmost placement, unchanged base first): chr16-3736751-GGC-G. GRCh37 (hg19) VCF-style: chr16-3786752-GGC-G.
Other names: c.4343_4344del, p.Cys1448fs (NM_001079846.1); short protein forms C1448fs, C1486fs.
Identifiers: ClinVar variation 2746879 (VCV002746879.3), dbSNP rs2548363833, ClinGen allele CA2697549650.
Genomic context (GRCh38, chr16:3,736,751, plus strand): 5'-GCATCTTTTTGTACCACTCCTGCAGTCGTTTTGGCTTGGGTATTTTTTGATCAGGTGGGT[GGC>G]AATGGAAGATGTAATCATCTCCTTCACTTGGAGGACAGGCCCAGATGTGCCCTGTCACAT-3'